The following is an entry in ClinVar:

ClinVar aggregate classification (germline): Pathogenic (1 of 4 stars; one submission).

Submission:

Mayo Clinic Laboratories, Mayo Clinic
Classification: Pathogenic. Last evaluated: 2024-07-08. Review status: criteria provided, single submitter. Criteria: ACMG Guidelines, 2015. Collection method: clinical testing. Allele origin: germline. Observed: 2 variant alleles.
Comment: PP4_strong, PM2, PVS1

NM_000548.5(TSC2):c.1201del (p.His401fs)

Gene: TSC2 (TSC complex subunit 2; plus strand). Cytogenetic location: 16p13.3.
Variant type: Deletion.
Coding change: c.1201del on transcript NM_000548.5 (MANE Select); coding-DNA position 1201, one base deleted (C; older notation c.1201delC).
Protein change: p.His401fs; shifts the reading frame from histidine 401.
Molecular consequence: frameshift variant. On other transcripts: 5 prime UTR variant (10), non-coding transcript variant (5).
Genome position (GRCh38, 1-based): chr16:2,061,952, C deleted; the last of 2 consecutive C bases (chr16:2,061,951-2,061,952); deleting either gives the same sequence. VCF-style (leftmost placement, unchanged base first): chr16-2061950-TC-T. GRCh37 (hg19) VCF-style: chr16-2111951-TC-T.
Other names: p.His401Thrfs*24; c.1201del, p.His401fs (NM_001077183.3, NM_001114382.3, NM_001363528.2 and 6 more transcripts); c.1090del, p.His364fs (NM_001318827.2, NM_001406670.1, NM_001406678.1); c.1054del, p.His352fs (NM_001318829.2, NM_001406675.1, NM_001406676.1 and 1 more transcripts); c.601del, p.His201fs (NM_001318831.2, NM_001406680.1, NM_001406682.1 and 6 more transcripts); c.1234del, p.His412fs (NM_001318832.2); c.1291del, p.His431fs (NM_001406667.1, NM_001406668.1); c.1189del, p.His397fs (NM_001406671.1, NM_001406673.1); and 5 more; short protein forms H201fs, H247fs, H352fs, H364fs, H382fs, H397fs, H401fs, H412fs.
Identifiers: ClinVar variation 3381132 (VCV003381132.1).